The following is an entry in ClinVar:

ClinVar aggregate classification (germline): Pathogenic. Review status: criteria provided, multiple submitters, no conflicts (2 of 4 stars). 4 submissions from 4 submitters: Pathogenic (3). 1 of the submissions does not count toward it. Last evaluated 2024-03-13.

Conditions:
Citrullinemia type I (CTNL1). Also called: ASS DEFICIENCY; argininosuccinate synthetase deficiency. Identifiers: Orphanet 247525, MedGen C4721769, MONDO:0008988, OMIM 215700.
Citrullinemia. Identifiers: Orphanet 187, MedGen C0175683, MONDO:0015991.
ASS1-related disorder. Also called: ASS1-related condition.

gnomAD v4.1: 8 of 1,614,016 alleles (0.0005%); highest among the groups gnomAD compares: East Asian, 0.0022%; no homozygotes.

Submissions (4):

Labcorp Genetics (formerly Invitae), Labcorp
Classification: Pathogenic for Citrullinemia. Last evaluated: 2024-03-13. Review status: criteria provided, single submitter. Criteria: Invitae Variant Classification Sherloc (09022015). Collection method: clinical testing. Allele origin: germline.
Comment: This sequence change replaces arginine, which is basic and polar, with histidine, which is basic and polar, at codon 272 of the ASS1 protein (p.Arg272His). This variant is present in population databases (no rsID available, gnomAD 0.005%). This missense change has been observed in individual(s) with citrullinemia type I (PMID: 18925679, 20852933, 27287393, 30285816). ClinVar contains an entry for this variant (Variation ID: 2501087). Advanced modeling of protein sequence and biophysical properties (such as structural, functional, and spatial information, amino acid conservation, physicochemical variation, residue mobility, and thermodynamic stability) performed at Invitae indicates that this missense variant is expected to disrupt ASS1 protein function with a positive predictive value of 80%. Experimental studies have shown that this missense change affects ASS1 function (PMID: 27287393, 31469252). This variant disrupts the p.Arg272 amino acid residue in ASS1. Other variant(s) that disrupt this residue have been determined to be pathogenic (PMID: 7977368, 12815590, 22768672). This suggests that this residue is clinically significant, and that variants that disrupt this residue are likely to be disease-causing. For these reasons, this variant has been classified as Pathogenic.

Baylor Genetics
Classification: Pathogenic for Citrullinemia type I. Last evaluated: 2024-02-14. Review status: criteria provided, single submitter. Criteria: ACMG Guidelines, 2015. Collection method: clinical testing. Allele origin: unknown.

Women's Health and Genetics/Laboratory Corporation of America, LabCorp
Classification: Pathogenic for Citrullinemia. Last evaluated: 2023-03-14. Review status: criteria provided, single submitter. Criteria: LabCorp Variant Classification Summary - May 2015. Collection method: clinical testing. Allele origin: germline.
Comment: Variant summary: ASS1 c.815G>A (p.Arg272His) results in a non-conservative amino acid change in the encoded protein sequence. Four of five in-silico tools predict a damaging effect of the variant on protein function. The variant allele was found at a frequency of 8e-06 in 251230 control chromosomes (gnomAD). c.815G>A has been reported in the literature in multiple individuals affected with Citrullinemia (example: Dimmock_2008, Diez-Fernandez_2016, and Zielonka_2019). These data indicate that the variant is very likely to be associated with disease. Multiple reports have provided experimental evidence evaluating an impact on protein function. The most pronounced variant effect results in 10%-<30% of normal activity (Diez-Fernandez_2016, and Zielonka_2019). A different variant affecting the same codon (c.814C>T (p.Arg272Cys) is classified pathogenic in ClinVar (ID 371132). No clinical diagnostic laboratories have submitted clinical-significance assessments for this variant to ClinVar after 2014. Based on the evidence outlined above, the variant was classified as pathogenic.

PreventionGenetics, part of Exact Sciences
Classification: Pathogenic for ASS1-related condition. Last evaluated: 2024-04-30. Review status: no assertion criteria provided. Collection method: clinical testing. Allele origin: germline. Not counted in ClinVar's aggregate classification.
Comment: The ASS1 c.815G>A variant is predicted to result in the amino acid substitution p.Arg272His. This variant was reported in the homozygous or compound heterozygous state in several individuals with citrullinemia (Dimmock et al. 2008. PubMed ID: 18925679; de Groot et al. 2010. PubMed ID: 20852933; Diez-Fernandez et al. 2016. PubMed ID: 27287393; Bijarnia-Mahay et al. 2018. PubMed ID: 30285816). A different amino acid substitution at this position (p.Arg272Cys) has also been reported in several patients with citrullinemia (Kobayashi et al. 1994. PubMed ID: 7977368; Diez-Fernandez et al. 2016. PubMed ID: 27287393). This variant is reported in 0.0046% of alleles in individuals of European (Finnish) descent in gnomAD. This variant is interpreted as pathogenic.

Literature cited by the submitters: PubMed 18925679 (cited by Labcorp Genetics (formerly Invitae), Labcorp and Women's Health and Genetics/Laboratory Corporation of America, LabCorp); PubMed 20852933 (cited by Labcorp Genetics (formerly Invitae), Labcorp); PubMed 27287393 (cited by Labcorp Genetics (formerly Invitae), Labcorp and Women's Health and Genetics/Laboratory Corporation of America, LabCorp); PubMed 30285816 (cited by Labcorp Genetics (formerly Invitae), Labcorp); PubMed 31469252 (cited by Labcorp Genetics (formerly Invitae), Labcorp and Women's Health and Genetics/Laboratory Corporation of America, LabCorp); PubMed 7977368 (cited by Labcorp Genetics (formerly Invitae), Labcorp); PubMed 12815590 (cited by Labcorp Genetics (formerly Invitae), Labcorp); PubMed 22768672 (cited by Labcorp Genetics (formerly Invitae), Labcorp).

NM_054012.4(ASS1):c.815G>A (p.Arg272His)

Gene: ASS1 (argininosuccinate synthase 1; plus strand). Cytogenetic location: 9q34.11.
Variant type: single nucleotide variant.
Coding change: c.815G>A on transcript NM_054012.4 (MANE Select); coding-DNA position 815, G replaced by A.
Protein change: p.Arg272His; replaces arginine 272 with histidine.
Molecular consequence: missense variant.
Genome position (GRCh38, 1-based): chr9:130,480,426, G>A. VCF-style: chr9-130480426-G-A. GRCh37 (hg19) VCF-style: chr9-133355813-G-A.
Other names: c.815G>A, p.Arg272His (NM_000050.4); short protein forms R272H.
Identifiers: ClinVar variation 2501087 (VCV002501087.6), dbSNP rs768215008, ClinGen allele CA375229492.